The following is an entry in ClinVar:

ClinVar aggregate classification (germline): Pathogenic (1 of 4 stars; one submission).

Conditions:
Hereditary breast ovarian cancer syndrome. Also called: Hereditary breast and ovarian cancer syndrome (HBOC); Hereditary breast and ovarian cancer syndrome; Hereditary breast and/or ovarian cancer syndrome; Hereditary breast and ovarian cancer; Breast and ovarian cancer; BRCA1- and BRCA2-Associated Hereditary Breast and Ovarian Cancer. Identifiers: Orphanet 145, MedGen C0677776, MeSH D061325, MONDO:0003582. Disease mechanism: loss of function.

Submission:

Labcorp Genetics (formerly Invitae), Labcorp
Classification: Pathogenic for Hereditary breast ovarian cancer syndrome. Last evaluated: 2023-04-11. Review status: criteria provided, single submitter. Criteria: Invitae Variant Classification Sherloc (09022015). Collection method: clinical testing. Allele origin: germline.
Comment: This variant has not been reported in the literature in individuals affected with BRCA2-related conditions. For these reasons, this variant has been classified as Pathogenic. This variant is not present in population databases (gnomAD no frequency). This sequence change creates a premature translational stop signal (p.Lys2359*) in the BRCA2 gene. It is expected to result in an absent or disrupted protein product. Loss-of-function variants in BRCA2 are known to be pathogenic (PMID: 20104584).

Literature cited by the submitters: PubMed 20104584.

NM_000059.4(BRCA2):c.7075A>T (p.Lys2359Ter)

Gene: BRCA2 (BRCA2 DNA repair associated; plus strand). Cytogenetic location: 13q13.1.
Variant type: single nucleotide variant.
Coding change: c.7075A>T on transcript NM_000059.4 (MANE Select); coding-DNA position 7075, A replaced by T.
Protein change: p.Lys2359Ter; replaces lysine 2359 with a stop codon.
Molecular consequence: nonsense. On other transcripts: non-coding transcript variant (1).
Genome position (GRCh38, 1-based): chr13:32,354,928, A>T. VCF-style: chr13-32354928-A-T. GRCh37 (hg19) VCF-style: chr13-32929065-A-T.
Other names: c.6979A>T, p.Lys2327Ter (NM_001406719.1); c.7075A>T, p.Lys2359Ter (NM_001406720.1); c.2143A>T, p.Lys715Ter (NM_001406721.1); c.658A>T, p.Lys220Ter (NM_001406722.1); short protein forms K2327*, K715*, K220*, K2359*.
Identifiers: ClinVar variation 2854985 (VCV002854985.3), dbSNP rs2137555713, ClinGen allele CA387738423.